The following is an entry in ClinVar:

NM_014141.6(CNTNAP2):c.3326A>T (p.Asn1109Ile)

Gene: CNTNAP2 (contactin associated protein 2; plus strand). Cytogenetic location: 7q36.1.
Variant type: single nucleotide variant.
Coding change: c.3326A>T on transcript NM_014141.6 (MANE Select); coding-DNA position 3326, A replaced by T.
Protein change: p.Asn1109Ile; replaces asparagine 1109 with isoleucine.
Molecular consequence: missense variant.
Genome position (GRCh38, 1-based): chr7:148,229,724, A>T. VCF-style: chr7-148229724-A-T. GRCh37 (hg19) VCF-style: chr7-147926816-A-T.
Other names: short protein forms N1109I.
Identifiers: ClinVar variation 4727375 (VCV004727375.1).

ClinVar aggregate classification (germline): Uncertain significance (1 of 4 stars; one submission).

Conditions:
Cortical dysplasia-focal epilepsy syndrome (PTHSL1). Also called: Pitt-Hopkins-like syndrome 1. Identifiers: Orphanet 163681, Orphanet 221150, MedGen C2750246, MONDO:0012400, OMIM 610042.

Submission:

Labcorp Genetics (formerly Invitae), Labcorp
Classification: Uncertain significance for Cortical dysplasia-focal epilepsy syndrome. Last evaluated: 2025-09-17. Review status: criteria provided, single submitter. Criteria: Invitae Variant Classification Sherloc (09022015). Collection method: clinical testing. Allele origin: germline.
Comment: This sequence change replaces asparagine, which is neutral and polar, with isoleucine, which is neutral and non-polar, at codon 1109 of the CNTNAP2 protein (p.Asn1109Ile). This variant is not present in population databases (gnomAD no frequency). This variant has not been reported in the literature in individuals affected with CNTNAP2-related conditions. An algorithm developed to predict the effect of missense changes on protein structure and function (PolyPhen-2) suggests that this variant is likely to be tolerated. In summary, the available evidence is currently insufficient to determine the role of this variant in disease. Therefore, it has been classified as a Variant of Uncertain Significance.